The following is an entry in ClinVar:

NM_001042492.3(NF1):c.2525G>A (p.Gly842Asp)

Gene: NF1 (neurofibromin 1; plus strand). Cytogenetic location: 17q11.2.
Variant type: single nucleotide variant.
Coding change: c.2525G>A on transcript NM_001042492.3 (MANE Select); coding-DNA position 2525, G replaced by A.
Protein change: p.Gly842Asp; replaces glycine 842 with aspartic acid.
Molecular consequence: missense variant.
Genome position (GRCh38, 1-based): chr17:31,229,140, G>A. VCF-style: chr17-31229140-G-A. GRCh37 (hg19) VCF-style: chr17-29556158-G-A.
Other names: c.2525G>A, p.Gly842Asp (NM_000267.4); short protein forms G842D.
Identifiers: ClinVar variation 821429 (VCV000821429.6), dbSNP rs1597715290, ClinGen allele CA398984189.

ClinVar aggregate classification (germline): Uncertain significance. Review status: criteria provided, multiple submitters, no conflicts (2 of 4 stars). 2 submissions from 2 submitters: Uncertain significance (2). Last evaluated 2024-06-07.

Conditions:
Neurofibromatosis, type 1 (NF1). Also called: Peripheral type neurofibromatosis; Neurofibromatosis, type I; NEUROFIBROMATOSIS, TYPE I, SOMATIC; VON RECKLINGHAUSEN DISEASE. Identifiers: Orphanet 636, MedGen C0027831, MONDO:0018975, OMIM 162200. Disease mechanism: loss of function.
Hereditary cancer-predisposing syndrome. Also called: Hereditary Cancer Syndrome; Neoplastic Syndromes, Hereditary; Hereditary neoplastic syndrome; Tumor predisposition. Identifiers: Orphanet 140162, MedGen C0027672, MeSH D009386, MONDO:0015356.
Cardiovascular phenotype. Identifiers: MedGen CN230736.

Allele frequency attached by ClinVar (database versions not stated): gnomAD exomes below 0.00001.
gnomAD v4.1: 1 of 1,611,868 alleles (0.000062%); highest among the groups gnomAD compares: Non-Finnish European, 0.000085%; no homozygotes.

Submissions (2):

Labcorp Genetics (formerly Invitae), Labcorp
Classification: Uncertain significance for Neurofibromatosis, type 1. Last evaluated: 2024-06-07. Review status: criteria provided, single submitter. Criteria: Invitae Variant Classification Sherloc (09022015). Collection method: clinical testing. Allele origin: germline.
Comment: This sequence change replaces glycine, which is neutral and non-polar, with aspartic acid, which is acidic and polar, at codon 842 of the NF1 protein (p.Gly842Asp). This variant is not present in population databases (gnomAD no frequency). This variant has not been reported in the literature in individuals affected with NF1-related conditions. ClinVar contains an entry for this variant (Variation ID: 821429). Advanced modeling of protein sequence and biophysical properties (such as structural, functional, and spatial information, amino acid conservation, physicochemical variation, residue mobility, and thermodynamic stability) performed at Invitae indicates that this missense variant is expected to disrupt NF1 protein function with a positive predictive value of 95%. In summary, the available evidence is currently insufficient to determine the role of this variant in disease. Therefore, it has been classified as a Variant of Uncertain Significance.

Ambry Genetics
Classification: Uncertain significance for Cardiovascular phenotype; Hereditary cancer-predisposing syndrome. Last evaluated: 2019-11-08. Review status: criteria provided, single submitter. Criteria: Ambry Variant Classification Scheme 2023. Collection method: clinical testing. Allele origin: germline.
Comment: The p.G842D variant (also known as c.2525G>A), located in coding exon 21 of the NF1 gene, results from a G to A substitution at nucleotide position 2525. The glycine at codon 842 is replaced by aspartic acid, an amino acid with similar properties. This amino acid position is highly conserved in available vertebrate species. In addition, this alteration is predicted to be deleterious by in silico analysis. Since supporting evidence is limited at this time, the clinical significance of this alteration remains unclear.